The following is an entry in ClinVar:

NM_002348.4(LY9):c.182del (p.Gly61fs)

Gene: LY9 (lymphocyte antigen 9; plus strand). Cytogenetic location: 1q23.3.
Variant type: Deletion.
Coding change: c.182del on transcript NM_002348.4 (MANE Select); coding-DNA position 182, one base deleted (G; older notation c.182delG).
Protein change: p.Gly61fs; shifts the reading frame from glycine 61.
Molecular consequence: frameshift variant.
Genome position (GRCh38, 1-based): chr1:160,799,810, G deleted; the last of 5 consecutive G bases (chr1:160,799,806-160,799,810); deleting any one gives the same sequence. VCF-style (leftmost placement, unchanged base first): chr1-160799805-AG-A. GRCh37 (hg19) VCF-style: chr1-160769595-AG-A.
Other names: c.182del, p.Gly61fs (NM_001033667.3, NM_001261456.2, NM_001261457.2); short protein forms G61fs.
Identifiers: ClinVar variation 1705278 (VCV001705278.2), dbSNP rs763811636, ClinGen allele CA1201500.

ClinVar aggregate classification (germline): association (1 of 4 stars; one submission).

Submission:

Population Bio, Inc.
Classification: association. Last evaluated: 2022-08-30. Review status: criteria provided, single submitter. Criteria: Hatchwell et al (Front Neurol. 2022). Collection method: case-control. Allele origin: germline.
Comment: LY9 variant c.182del (rs763811636) is associated with Progressive multifocal leukoencephalopathy (PML, ORPHA:217260).

Literature cited by the submitters: PubMed 32256442.